The following is an entry in ClinVar:

ClinVar aggregate classification (germline): Uncertain significance. Review status: criteria provided, multiple submitters, no conflicts (2 of 4 stars). 4 submissions from 4 submitters: Uncertain significance (3). 1 of the submissions does not count toward it. Last evaluated 2023-04-19.

Conditions:
Inborn genetic diseases. Identifiers: MedGen C0950123, MeSH D030342.
Autosomal recessive nonsyndromic hearing loss 77. Identifiers: Orphanet 90636, MedGen C2746083, MONDO:0013119, OMIM 613079.

Allele frequency attached by ClinVar (database versions not stated): gnomAD 0.00001; TOPMed 0.00003.
gnomAD v4.1: 50 of 1,541,324 alleles (0.0032%); highest among the groups gnomAD compares: Admixed American, 0.02%; no homozygotes.

Submissions (4):

Ambry Genetics
Classification: Uncertain significance for Inborn genetic diseases. Last evaluated: 2023-04-19. Review status: criteria provided, single submitter. Criteria: Ambry Variant Classification Scheme 2023. Collection method: clinical testing. Allele origin: germline.

Blueprint Genetics
Classification: Uncertain significance. Last evaluated: 2020-11-11. Review status: criteria provided, single submitter. Criteria: ACMG Guidelines, 2015. Collection method: clinical testing. Allele origin: germline.

Laboratory for Molecular Medicine, Mass General Brigham Personalized Medicine
Classification: Uncertain significance. Last evaluated: 2018-10-30. Review status: criteria provided, single submitter. Criteria: LMM Criteria. Collection method: clinical testing. Allele origin: germline. Observed: 1 variant allele.
Comment: The p.Val893Met variant in LOXHD1 has not been previously reported in individual s with hearing loss but has been identified in 0.03% (8/24730) of Latino chromos omes by gnomAD. Computational prediction tool s and conservation analysis do not provide strong support for or against an impa ct to the protein. In summary, the clinical significance of the p.Val893Met vari ant is uncertain. ACMG/AMP Criteria applied: PM2_Supporting.

Natera, Inc.
Classification: Uncertain significance for Autosomal recessive deafness type 77. Last evaluated: 2020-01-24. Review status: no assertion criteria provided. Collection method: clinical testing. Allele origin: germline. Not counted in ClinVar's aggregate classification.

NM_001384474.1(LOXHD1):c.2677G>A (p.Val893Met)

Gene: LOXHD1 (lipoxygenase homology PLAT domains 1; minus strand). Cytogenetic location: 18q21.1.
Variant type: single nucleotide variant.
Coding change: c.2677G>A on transcript NM_001384474.1 (MANE Select); coding-DNA position 2677, G replaced by A.
Protein change: p.Val893Met; replaces valine 893 with methionine.
Molecular consequence: missense variant.
Genome position (GRCh38, 1-based): chr18:46,560,467, C>T on the plus strand (G>A on the coding strand, the complement: LOXHD1 is on the minus strand). VCF-style: chr18-46560467-C-T. GRCh37 (hg19) VCF-style: chr18-44140430-C-T.
Other names: c.2677G>A, p.Val893Met (NM_144612.7); short protein forms V893M.
Identifiers: ClinVar variation 666849 (VCV000666849.8), dbSNP rs769899814, ClinGen allele CA299794573.